The following is an entry in ClinVar:

ClinVar aggregate classification (germline): Uncertain significance. Review status: criteria provided, multiple submitters, no conflicts (2 of 4 stars). 2 submissions from 2 submitters: Uncertain significance (2). Last evaluated 2025-07-06.

Conditions:
Autosomal dominant nonsyndromic hearing loss 65. Also called: Deafness, autosomal dominant 65; TBC1D24-Related Autosomal Dominant Nonsyndromic Hearing Loss (DFNA). Identifiers: Orphanet 90635, MedGen C3892048, MONDO:0014470, OMIM 616044.
Developmental and epileptic encephalopathy, 1 (DEE1). Also called: X-linked infantile spasms; West's syndrome; Tonic spasms with clustering, arrest of psychomotor development and hypsarrhythmia on EEG; X-Linked Infantile Spasm Syndrome; OHTAHARA SYNDROME, X-LINKED; INFANTILE SPASM SYNDROME, X-LINKED 1. Identifiers: MedGen C3463992, MONDO:0010632, OMIM 308350. Disease mechanism: loss of function.

Allele frequency attached by ClinVar (database versions not stated): gnomAD exomes below 0.00001 and 0.00001; ExAC 0.00001; gnomAD 0.00001; TOPMed 0.00001.
gnomAD v4.1: 13 of 1,613,378 alleles (0.00081%); highest among the groups gnomAD compares: South Asian, 0.0022%; no homozygotes.

Submissions (2):

Labcorp Genetics (formerly Invitae), Labcorp
Classification: Uncertain significance for Developmental and epileptic encephalopathy, 1; Autosomal dominant nonsyndromic hearing loss 65. Last evaluated: 2025-07-06. Review status: criteria provided, single submitter. Criteria: Invitae Variant Classification Sherloc (09022015). Collection method: clinical testing. Allele origin: germline.
Comment: This sequence change replaces threonine, which is neutral and polar, with methionine, which is neutral and non-polar, at codon 182 of the TBC1D24 protein (p.Thr182Met). This variant is present in population databases (rs763670146, gnomAD 0.0009%). This missense change has been observed in individual(s) with autosomal recessive epilepsy and exercise-induced dystonia (PMID: 31257402, 34852372). ClinVar contains an entry for this variant (Variation ID: 1498743). Invitae Evidence Modeling of protein sequence and biophysical properties (such as structural, functional, and spatial information, amino acid conservation, physicochemical variation, residue mobility, and thermodynamic stability) has been performed for this missense variant. However, the output from this modeling did not meet the statistical confidence thresholds required to predict the impact of this variant on TBC1D24 protein function. In summary, the available evidence is currently insufficient to determine the role of this variant in disease. Therefore, it has been classified as a Variant of Uncertain Significance.

GeneDx
Classification: Uncertain significance. Last evaluated: 2022-04-26. Review status: criteria provided, single submitter. Criteria: GeneDx Variant Classification Process June 2021. Collection method: clinical testing. Allele origin: germline. Affected: yes.
Comment: Not observed at significant frequency in large population cohorts (gnomAD); In silico analysis supports that this missense variant has a deleterious effect on protein structure/function; This variant is associated with the following publications: (PMID: 31257402, 33929620, 34852372)

Literature cited by the submitters: PubMed 31257402 (cited by Labcorp Genetics (formerly Invitae), Labcorp); PubMed 34852372 (cited by Labcorp Genetics (formerly Invitae), Labcorp).

NM_001199107.2(TBC1D24):c.545C>T (p.Thr182Met)

Gene: TBC1D24 (TBC1 domain family member 24; plus strand). Cytogenetic location: 16p13.3.
Variant type: single nucleotide variant.
Coding change: c.545C>T on transcript NM_001199107.2 (MANE Select); coding-DNA position 545, C replaced by T.
Protein change: p.Thr182Met; replaces threonine 182 with methionine.
Molecular consequence: missense variant.
Genome position (GRCh38, 1-based): chr16:2,496,693, C>T. VCF-style: chr16-2496693-C-T. GRCh37 (hg19) VCF-style: chr16-2546694-C-T.
Other names: c.545C>T, p.Thr182Met (NM_020705.3); short protein forms T182M.
Identifiers: ClinVar variation 1498743 (VCV001498743.14), dbSNP rs763670146, ClinGen allele CA7844021.